The following is an entry in ClinVar:

NM_003560.4(PLA2G6):c.945_947dup (p.Ala316dup)

Gene: PLA2G6 (phospholipase A2 group VI; minus strand). Cytogenetic location: 22q13.1.
Variant type: Duplication.
Coding change: c.945_947dup on transcript NM_003560.4 (MANE Select); coding-DNA positions 945 to 947, 3 bases duplicated (CGC; older notation c.945_947dupCGC).
Protein change: p.Ala316dup; duplicates alanine 316.
Molecular consequence: inframe insertion.
Genome position (GRCh38, 1-based): chr22:38,132,961-38,132,963, GCG duplicated on the plus strand (CGC on the coding strand, the reverse complement: PLA2G6 is on the minus strand); duplicating any 3 consecutive bases within chr22:38,132,961-38,132,964 gives the same sequence; the c. name uses the placement nearest the transcript's 3' end. VCF-style (leftmost placement, unchanged base first): chr22-38132960-C-CGCG. GRCh37 (hg19) VCF-style: chr22-38528967-C-CGCG.
Other names: c.945_947dup, p.Ala316dup (NM_001004426.3, NM_001199562.3, NM_001349864.2 and 2 more transcripts); c.411_413dup, p.Ala138dup (NM_001349867.2, NM_001349869.2); c.267_269dup, p.Ala90dup (NM_001349868.2).
Identifiers: ClinVar variation 211911 (VCV000211911.7), dbSNP rs797045889, ClinGen allele CA277236.

ClinVar aggregate classification (germline): Conflicting classifications of pathogenicity. Review status: criteria provided, conflicting classifications (1 of 4 stars). 2 submissions from 2 submitters: Likely pathogenic (1); Uncertain significance (1). Last evaluated 2021-08-20.

Conditions:
Neurodegeneration with brain iron accumulation 2B. Also called: NEUROAXONAL DYSTROPHY, ATYPICAL; NEURODEGENERATION WITH BRAIN IRON ACCUMULATION, PLA2G6-RELATED; aNAD; atypical Neuroaxonal Dystrophy (aNAD). Identifiers: Orphanet 35069, MedGen C1857747, MONDO:0012444, OMIM 610217.

Submissions (2):

Women's Health and Genetics/Laboratory Corporation of America, LabCorp
Classification: Uncertain significance. Last evaluated: 2021-08-20. Review status: criteria provided, single submitter. Criteria: LabCorp Variant Classification Summary - May 2015. Collection method: clinical testing. Allele origin: germline.
Comment: Variant summary: PLA2G6 c.945_947dupCGC (p.Ala316dup) results in an in-frame duplication that is predicted to duplicate one amino acid into the encoded protein. The variant was absent in 174588 control chromosomes. The available data on variant occurrences in the general population are insufficient to allow any conclusion about variant significance. c.945_947dupCGC has been reported in the literature in an individual affected with Neurodegeneration With Brain Iron Accumulation in the compound heterozygous state (Al-Maawali_2016). These data do not allow any conclusion about variant significance. To our knowledge, no experimental evidence demonstrating an impact on protein function has been reported. No clinical diagnostic laboratories have submitted clinical-significance assessments for this variant to ClinVar after 2014. Based on the evidence outlined above, the variant was classified as uncertain significance.

Genetic Services Laboratory, University of Chicago
Classification: Likely pathogenic for Neurodegeneration with brain iron accumulation 2B. Last evaluated: 2013-02-08. Review status: criteria provided, single submitter. Criteria: ACMG Guidelines, 2007. Collection method: clinical testing. Allele origin: germline. Affected: yes.

Literature cited by the submitters: PubMed 27516098 (cited by Women's Health and Genetics/Laboratory Corporation of America, LabCorp).